The following is an entry in ClinVar:

ClinVar aggregate classification (germline): Benign/Likely benign. Review status: criteria provided, multiple submitters, no conflicts (2 of 4 stars). 5 submissions from 5 submitters: Benign (3); Likely benign (1). 1 of the submissions does not count toward it. Last evaluated 2024-12-13.

Conditions:
TUBA4A-related disorder. Also called: TUBA4A-related condition.

Allele frequency attached by ClinVar (database versions not stated): gnomAD exomes 0.00004 and 0.00024; TOPMed 0.00013; gnomAD 0.00017 and 0.00021; ExAC 0.00022; 1000 Genomes Project 0.00080; 1000 Genomes Project 30x 0.00094.
gnomAD v4.1: 185 of 1,614,180 alleles (0.011%); highest among the groups gnomAD compares: East Asian, 0.14%; 1 homozygote.

Submissions (5):

Mayo Clinic Laboratories, Mayo Clinic
Classification: Benign. Last evaluated: 2024-12-13. Review status: criteria provided, single submitter. Criteria: ACMG Guidelines, 2015. Collection method: clinical testing. Allele origin: germline. Observed: 1 variant allele.
Comment: BS1, BS2, BP4, BP7

Blueprint Genetics
Classification: Likely benign. Last evaluated: 2024-11-08. Review status: criteria provided, single submitter. Criteria: ACMG Guidelines, 2015. Collection method: clinical testing. Allele origin: germline.

GeneDx
Classification: Benign. Last evaluated: 2020-09-21. Review status: criteria provided, single submitter. Criteria: GeneDx Variant Classification Process June 2021. Collection method: clinical testing. Allele origin: germline. Affected: yes.

Labcorp Genetics (formerly Invitae), Labcorp
Classification: Benign. Last evaluated: 2018-09-25. Review status: criteria provided, single submitter. Criteria: Invitae Variant Classification Sherloc (09022015). Collection method: clinical testing. Allele origin: germline.

PreventionGenetics, part of Exact Sciences
Classification: Likely benign for TUBA4A-related condition. Last evaluated: 2019-11-25. Review status: no assertion criteria provided. Collection method: clinical testing. Allele origin: germline. Not counted in ClinVar's aggregate classification.
Comment: This variant is classified as likely benign based on ACMG/AMP sequence variant interpretation guidelines (Richards et al. 2015 PMID: 25741868, with internal and published modifications).

NM_006000.3(TUBA4A):c.324T>C (p.Tyr108=)

Gene: TUBA4A (tubulin alpha 4a; minus strand). Cytogenetic location: 2q35.
Variant type: single nucleotide variant.
Coding change: c.324T>C on transcript NM_006000.3 (MANE Select); coding-DNA position 324, T replaced by C.
Protein change: p.Tyr108=; no amino-acid change (tyrosine 108 retained).
Molecular consequence: synonymous variant.
Genome position (GRCh38, 1-based): chr2:219,251,616, A>G on the plus strand (T>C on the coding strand, the complement: TUBA4A is on the minus strand). VCF-style: chr2-219251616-A-G. GRCh37 (hg19) VCF-style: chr2-220116338-A-G.
Other names: p.Tyr108=; c.279T>C, p.Tyr93= (NM_001278552.2).
Identifiers: ClinVar variation 720767 (VCV000720767.9), dbSNP rs199579096, ClinGen allele CA2122494.